The following is an entry in ClinVar:

NM_001378454.1(ALMS1):c.823G>T (p.Glu275Ter)

Gene: ALMS1 (ALMS1 centrosome and basal body associated protein; plus strand). Cytogenetic location: 2p13.1.
Variant type: single nucleotide variant.
Coding change: c.823G>T on transcript NM_001378454.1 (MANE Select); coding-DNA position 823, G replaced by T.
Protein change: p.Glu275Ter; replaces glutamic acid 275 with a stop codon.
Molecular consequence: nonsense.
Genome position (GRCh38, 1-based): chr2:73,424,488, G>T. VCF-style: chr2-73424488-G-T. GRCh37 (hg19) VCF-style: chr2-73651616-G-T.
Other names: c.826G>T, p.Glu276Ter (NM_015120.4); short protein forms E275*, E276*.
Identifiers: ClinVar variation 2844509 (VCV002844509.3), dbSNP rs2466045930, ClinGen allele CA347260535.
Genomic context (GRCh38, chr2:73,424,488, plus strand): 5'-AGGGGAATTCCTGATAAGTCTGAAGATACTGAATGGTCTTCTCGACCATCGGAAGTTAGT[G>T]AAGCTTTATTCCAGGCTACTGCAGAAGTAGCTTCAGACTTAGCAAGCAGTCGCTTTAGTG-3'

ClinVar aggregate classification (germline): Pathogenic (1 of 4 stars; one submission).

Conditions:
Alstrom syndrome (ALMS). Identifiers: Orphanet 64, MedGen C0268425, MONDO:0008763, OMIM 203800.

gnomAD v4.1: 6 of 1,604,190 alleles (0.00037%); highest among the groups gnomAD compares: Non-Finnish European, 0.00051%; no homozygotes.

Submission:

Labcorp Genetics (formerly Invitae), Labcorp
Classification: Pathogenic for Alstrom syndrome. Last evaluated: 2024-05-23. Review status: criteria provided, single submitter. Criteria: Invitae Variant Classification Sherloc (09022015). Collection method: clinical testing. Allele origin: germline.
Comment: This sequence change creates a premature translational stop signal (p.Glu276*) in the ALMS1 gene. It is expected to result in an absent or disrupted protein product. Loss-of-function variants in ALMS1 are known to be pathogenic (PMID: 17594715). This variant is not present in population databases (gnomAD no frequency). This variant has not been reported in the literature in individuals affected with ALMS1-related conditions. For these reasons, this variant has been classified as Pathogenic.

Literature cited by the submitters: PubMed 17594715.